The following is an entry in ClinVar:

NM_006208.3(ENPP1):c.1317A>G (p.Lys439=)

Gene: ENPP1 (ectonucleotide pyrophosphatase/phosphodiesterase 1; plus strand). Cytogenetic location: 6q23.2.
Variant type: single nucleotide variant.
Coding change: c.1317A>G on transcript NM_006208.3 (MANE Select); coding-DNA position 1317, A replaced by G.
Protein change: p.Lys439=; no amino-acid change (lysine 439 retained).
Molecular consequence: synonymous variant.
Genome position (GRCh38, 1-based): chr6:131,869,401, A>G. VCF-style: chr6-131869401-A-G. GRCh37 (hg19) VCF-style: chr6-132190541-A-G.
Other names: p.Lys439=.
Identifiers: ClinVar variation 355340 (VCV000355340.19), dbSNP rs9483347, ClinGen allele CA4002164.

ClinVar aggregate classification (germline): Benign. Review status: criteria provided, multiple submitters, no conflicts (2 of 4 stars). 5 submissions from 4 submitters: Benign (5). Last evaluated 2026-02-02.

Conditions:
Hypophosphatemic rickets, autosomal recessive, 2 (ARHR2). Identifiers: Orphanet 289176, MedGen C2750078, MONDO:0013219, OMIM 613312.
Arterial calcification, generalized, of infancy, 1 (GACI1). Also called: Idiopathic Infantile Arterial Calcification. Identifiers: Orphanet 51608, MedGen C4551985, MONDO:0008817, OMIM 208000.

Allele frequency attached by ClinVar (database versions not stated): gnomAD exomes 0.00155 and 0.00335; ExAC 0.00404; gnomAD 0.01226 and 0.01323; ESP Exome Variant Server 0.01415; TOPMed 0.01433; 1000 Genomes Project 0.01458; 1000 Genomes Project 30x 0.01468.
gnomAD v4.1: 4,218 of 1,613,154 alleles (0.26%); highest among the groups gnomAD compares: African/African-American, 4.3%; 89 homozygotes.

Submissions (5):

Labcorp Genetics (formerly Invitae), Labcorp
Classification: Benign. Last evaluated: 2026-02-02. Review status: criteria provided, single submitter. Criteria: Invitae Variant Classification Sherloc (09022015). Collection method: clinical testing. Allele origin: germline.

Mayo Clinic Laboratories, Mayo Clinic
Classification: Benign. Last evaluated: 2024-01-15. Review status: criteria provided, single submitter. Criteria: ACMG Guidelines, 2015. Collection method: clinical testing. Allele origin: germline. Observed: 5 variant alleles.
Comment: BS1, BS2, BP4, BP7

GeneDx
Classification: Benign. Last evaluated: 2018-10-30. Review status: criteria provided, single submitter. Criteria: GeneDx Variant Classification Process June 2021. Collection method: clinical testing. Allele origin: germline. Affected: yes.

Illumina Laboratory Services, Illumina
Classification: Benign for Hypophosphatemic rickets, autosomal recessive, 2. Last evaluated: 2018-01-12. Review status: criteria provided, single submitter. Criteria: ICSL Variant Classification Criteria 13 December 2019. Collection method: clinical testing. Allele origin: germline.
Comment: This variant was observed in the ICSL laboratory as part of a predisposition screen in an ostensibly healthy population. It had not been previously curated by ICSL or reported in the Human Gene Mutation Database (HGMD: prior to June 1st, 2018), and was therefore a candidate for classification through an automated scoring system. Utilizing variant allele frequency, disease prevalence and penetrance estimates, and inheritance mode, an automated score was calculated to assess if this variant is too frequent to cause the disease. Based on the score and internal cut-off values, a variant classified as benign is not then subjected to further curation. The score for this variant resulted in a classification of benign for this disease.

Illumina Laboratory Services, Illumina
Classification: Benign for Arterial calcification, generalized, of infancy, 1. Last evaluated: 2018-01-12. Review status: criteria provided, single submitter. Criteria: ICSL Variant Classification Criteria 13 December 2019. Collection method: clinical testing. Allele origin: germline.
Comment: the same text as in the submission from Illumina Laboratory Services, Illumina above.